The following is an entry in ClinVar:

ClinVar aggregate classification (germline): Uncertain significance (1 of 4 stars; one submission).

Allele frequency attached by ClinVar (database versions not stated): gnomAD exomes below 0.00001 and 0.00001.
gnomAD v4.1: 3 of 1,614,042 alleles (0.00019%); highest among the groups gnomAD compares: Non-Finnish European, 0.00025%; no homozygotes.

Submission:

Labcorp Genetics (formerly Invitae), Labcorp
Classification: Uncertain significance. Last evaluated: 2022-07-12. Review status: criteria provided, single submitter. Criteria: Invitae Variant Classification Sherloc (09022015). Collection method: clinical testing. Allele origin: germline.
Comment: In summary, the available evidence is currently insufficient to determine the role of this variant in disease. Therefore, it has been classified as a Variant of Uncertain Significance. Algorithms developed to predict the effect of missense changes on protein structure and function are either unavailable or do not agree on the potential impact of this missense change (SIFT: "Deleterious"; PolyPhen-2: "Probably Damaging"; Align-GVGD: "Class C0"). ClinVar contains an entry for this variant (Variation ID: 1364073). This variant has not been reported in the literature in individuals affected with TOPORS-related conditions. This variant is present in population databases (no rsID available, gnomAD 0.0009%). This sequence change replaces phenylalanine, which is neutral and non-polar, with tyrosine, which is neutral and polar, at codon 123 of the TOPORS protein (p.Phe123Tyr).

NM_005802.5(TOPORS):c.368T>A (p.Phe123Tyr)

Gene: TOPORS (TOP1 binding arginine/serine rich protein, E3 ubiquitin ligase; minus strand). Cytogenetic location: 9p21.1.
Variant type: single nucleotide variant.
Coding change: c.368T>A on transcript NM_005802.5 (MANE Select); coding-DNA position 368, T replaced by A.
Protein change: p.Phe123Tyr; replaces phenylalanine 123 with tyrosine.
Molecular consequence: missense variant.
Genome position (GRCh38, 1-based): chr9:32,544,157, A>T on the plus strand (T>A on the coding strand, the complement: TOPORS is on the minus strand). VCF-style: chr9-32544157-A-T. GRCh37 (hg19) VCF-style: chr9-32544155-A-T.
Other names: c.173T>A, p.Phe58Tyr (NM_001195622.2); short protein forms F58Y, F123Y.
Identifiers: ClinVar variation 1364073 (VCV001364073.8), dbSNP rs1414524137, ClinGen allele CA373172802.
Genomic context (GRCh38, chr9:32,544,157, plus strand): 5'-TGTTTACATAGTGGGCATTCAGCTTTGTTTTTTGACCACTCCTGTACACAGCGAAAACAG[A>T]ACTTATGTAAGCAGCGATCTAAGTAAGACACATTATCAAATCTATCCAAGCATATAGGAC-3'
Protein context (NP_005793.2, residues 113-133): VSYLDRCLHK[Phe123Tyr]CFRCVQEWSK